The following is an entry in ClinVar:

ClinVar aggregate classification (germline): Uncertain significance (1 of 4 stars; one submission).

Conditions:
Leigh syndrome (NULS). Also called: Leigh's necrotizing encephalopathy; Leigh's disease; Leigh's syndrome; LEIGH SYNDROME, NUCLEAR; Leigh Syndrome (mtDNA deletion); Leigh Disease. Identifiers: Orphanet 506, MedGen C2931891, MONDO:0009723, OMIM 256000.

Submission:

Wong Mito Lab, Molecular and Human Genetics, Baylor College of Medicine
Classification: Uncertain significance for Leigh syndrome. Last evaluated: 2019-10-17. Review status: criteria provided, single submitter. Criteria: Modified ACMG Guidelines (Unpublished). Collection method: clinical testing. Allele origin: germline.
Comment: The NC_012920.1:m.15294T>C (YP_003024038.1:p.Phe183Ser) variant in MTCYB gene is interpretated to be a Uncertain Significance variant based on the modified ACMG guidelines (unpublished). This variant meets the following evidence codes: PP7

NC_012920.1(MT-CYB):m.15294T>C

Gene: MT-CYB (mitochondrially encoded cytochrome b; plus strand).
Variant type: single nucleotide variant.
Genome position: chrM-15294-T-C.
Identifiers: ClinVar variation 693860 (VCV000693860.1), dbSNP rs1603225203, ClinGen allele CA913173480.